The following is an entry in ClinVar:

ClinVar aggregate classification (germline): Uncertain significance (1 of 4 stars; one submission).

Conditions:
Infantile-onset ascending hereditary spastic paralysis (IAHSP). Also called: Autosomal Recessive Juvenile Amyotrophic Lateral Sclerosis; Infantile-Onset Ascending Hereditary Spastic Paralysis (IAHSP). Identifiers: Orphanet 293168, MedGen C2931441, MONDO:0011797, OMIM 607225. Disease mechanism: loss of function.

Allele frequency attached by ClinVar (database versions not stated): gnomAD exomes below 0.00001.
gnomAD v4.1: 3 of 1,613,404 alleles (0.00019%); highest among the groups gnomAD compares: Non-Finnish European, 0.00025%; no homozygotes.

Submission:

Labcorp Genetics (formerly Invitae), Labcorp
Classification: Uncertain significance for Infantile-onset ascending hereditary spastic paralysis. Last evaluated: 2022-03-25. Review status: criteria provided, single submitter. Criteria: Invitae Variant Classification Sherloc (09022015). Collection method: clinical testing. Allele origin: germline.
Comment: In summary, the available evidence is currently insufficient to determine the role of this variant in disease. Therefore, it has been classified as a Variant of Uncertain Significance. Algorithms developed to predict the effect of missense changes on protein structure and function are either unavailable or do not agree on the potential impact of this missense change (SIFT: "Deleterious"; PolyPhen-2: "Probably Damaging"; Align-GVGD: "Class C0"). This variant has not been reported in the literature in individuals affected with ALS2-related conditions. This variant is present in population databases (rs764986141, gnomAD 0.0009%). This sequence change replaces tyrosine, which is neutral and polar, with cysteine, which is neutral and slightly polar, at codon 63 of the ALS2 protein (p.Tyr63Cys).

NM_020919.4(ALS2):c.188A>G (p.Tyr63Cys)

Gene: ALS2 (alsin Rho guanine nucleotide exchange factor ALS2; minus strand). Cytogenetic location: 2q33.1.
Variant type: single nucleotide variant.
Coding change: c.188A>G on transcript NM_020919.4 (MANE Select); coding-DNA position 188, A replaced by G.
Protein change: p.Tyr63Cys; replaces tyrosine 63 with cysteine.
Molecular consequence: missense variant.
Genome position (GRCh38, 1-based): chr2:201,761,806, T>C on the plus strand (A>G on the coding strand, the complement: ALS2 is on the minus strand). VCF-style: chr2-201761806-T-C. GRCh37 (hg19) VCF-style: chr2-202626529-T-C.
Other names: c.188A>G, p.Tyr63Cys (NM_001135745.2, NM_001410975.1); short protein forms Y63C.
Identifiers: ClinVar variation 2116810 (VCV002116810.4), dbSNP rs764986141, ClinGen allele CA63972042.
Genomic context (GRCh38, chr2:201,761,806, plus strand): 5'-ATGGGGCTACTTGGACAAATCTCCACTGGTCCACTTCTCCAGGGAAGAGTCCCAAAGCTG[T>C]AGACCTCACCATCTGAAGGTTAAAAAAAAGAAAAAAGAAAAAAAAAAGGGTTAGTGAATT-3'
Protein context (NP_065970.2, residues 53-73): GVLLTEDGEV[Tyr63Cys]SFGTLPWRSG